The following is an entry in ClinVar:

ClinVar aggregate classification (germline): Uncertain significance (1 of 4 stars; one submission).

Submission:

Ambry Genetics
Classification: Uncertain significance. Last evaluated: 2022-02-17. Review status: criteria provided, single submitter. Criteria: Ambry Variant Classification Scheme 2023. Collection method: clinical testing. Allele origin: germline.
Comment: The p.P74S variant (also known as c.220C>T), located in coding exon 3 of the RECQL gene, results from a C to T substitution at nucleotide position 220. The proline at codon 74 is replaced by serine, an amino acid with similar properties. This amino acid position is conserved. In addition, this alteration is predicted to be tolerated by in silico analysis. Since supporting evidence is limited at this time, the clinical significance of this alteration remains unclear.

NM_002907.4(RECQL):c.220C>T (p.Pro74Ser)

Gene: RECQL (RecQ like helicase; minus strand). Cytogenetic location: 12p12.1.
Variant type: single nucleotide variant.
Coding change: c.220C>T on transcript NM_002907.4 (MANE Select); coding-DNA position 220, C replaced by T.
Protein change: p.Pro74Ser; replaces proline 74 with serine.
Molecular consequence: missense variant.
Genome position (GRCh38, 1-based): chr12:21,490,373, G>A on the plus strand (C>T on the coding strand, the complement: RECQL is on the minus strand). VCF-style: chr12-21490373-G-A. GRCh37 (hg19) VCF-style: chr12-21643307-G-A.
Other names: c.220C>T, p.Pro74Ser (NM_032941.3); short protein forms P74S.
Identifiers: ClinVar variation 1787740 (VCV001787740.2), dbSNP rs2540400679, ClinGen allele CA384133695.